The following is an entry in ClinVar:

NM_033225.6(CSMD1):c.5466C>T (p.Tyr1822=)

Gene: CSMD1 (CUB and Sushi multiple domains 1; minus strand). Cytogenetic location: 8p23.2.
Variant type: single nucleotide variant.
Coding change: c.5466C>T on transcript NM_033225.6 (MANE Select); coding-DNA position 5466, C replaced by T.
Protein change: p.Tyr1822=; no amino-acid change (tyrosine 1822 retained).
Molecular consequence: synonymous variant.
Genome position (GRCh38, 1-based): chr8:3,188,944, G>A on the plus strand (C>T on the coding strand, the complement: CSMD1 is on the minus strand). VCF-style: chr8-3188944-G-A. GRCh37 (hg19) VCF-style: chr8-3046466-G-A.
Identifiers: ClinVar variation 3058187 (VCV003058187.2), dbSNP rs369424519, ClinGen allele CA4606937.
Genomic context (GRCh38, chr8:3,188,944, plus strand): 5'-CACCTGAATTCCCGAGCCCTCCGTAACTATGATCTTCCATATACAGTTCAAGTTGTTTCC[G>A]TATGGCTCAGGGTAGCCGGGGGACAGGATTGTACCTCTTCGTTGAGTGAAATTGCCACTG-3'
Protein context (NP_150094.5, residues 1812-1832): TILSPGYPEP[Tyr1822=]GNNLNCIWKI

ClinVar aggregate classification (germline): Likely benign (0 of 4 stars; one submission).

Conditions:
CSMD1-related disorder. Also called: CSMD1-related condition.

Allele frequency attached by ClinVar (database versions not stated): ExAC 0.00005; gnomAD 0.00006; gnomAD exomes 0.00006; TOPMed 0.00008; ESP Exome Variant Server 0.00017.
gnomAD v4.1: 98 of 1,611,850 alleles (0.0061%); highest among the groups gnomAD compares: Non-Finnish European, 0.0079%; no homozygotes.

Submission:

PreventionGenetics, part of Exact Sciences
Classification: Likely benign for CSMD1-related condition. Last evaluated: 2019-03-11. Review status: no assertion criteria provided. Collection method: clinical testing. Allele origin: germline.
Comment: This variant is classified as likely benign based on ACMG/AMP sequence variant interpretation guidelines (Richards et al. 2015 PMID: 25741868, with internal and published modifications).